The following is an entry in ClinVar:

NM_014339.7(IL17RA):c.794A>G (p.Asn265Ser)

Gene: IL17RA (interleukin 17 receptor A; plus strand). Cytogenetic location: 22q11.1.
Variant type: single nucleotide variant.
Coding change: c.794A>G on transcript NM_014339.7 (MANE Select); coding-DNA position 794, A replaced by G.
Protein change: p.Asn265Ser; replaces asparagine 265 with serine.
Molecular consequence: missense variant.
Genome position (GRCh38, 1-based): chr22:17,103,525, A>G. VCF-style: chr22-17103525-A-G. GRCh37 (hg19) VCF-style: chr22-17584415-A-G.
Other names: c.794A>G, p.Asn265Ser (NM_001289905.2); c.794A>G (NM_014339.5); short protein forms N265S.
Identifiers: ClinVar variation 858016 (VCV000858016.10), dbSNP rs201250724, ClinGen allele CA10086492.

ClinVar aggregate classification (germline): Uncertain significance. Review status: criteria provided, multiple submitters, no conflicts (2 of 4 stars). 4 submissions from 4 submitters: Uncertain significance (4). Last evaluated 2025-10-23.

Conditions:
Immunodeficiency 51 (IMD51). Also called: CANDIDIASIS, FAMILIAL, 5. Identifiers: Orphanet 1334, MedGen C4310803, MONDO:0013500, OMIM 613953.

Allele frequency attached by ClinVar (database versions not stated): gnomAD 0.00003; gnomAD exomes 0.00005; TOPMed 0.00005; ExAC 0.00007; ESP Exome Variant Server 0.00008; 1000 Genomes Project 30x 0.00016; 1000 Genomes Project 0.00020.
gnomAD v4.1: 51 of 1,613,746 alleles (0.0032%); highest among the groups gnomAD compares: East Asian, 0.033%; no homozygotes.

Submissions (4):

Labcorp Genetics (formerly Invitae), Labcorp
Classification: Uncertain significance for Immunodeficiency 51. Last evaluated: 2025-10-23. Review status: criteria provided, single submitter. Criteria: Invitae Variant Classification Sherloc (09022015). Collection method: clinical testing. Allele origin: germline.
Comment: This sequence change replaces asparagine, which is neutral and polar, with serine, which is neutral and polar, at codon 265 of the IL17RA protein (p.Asn265Ser). This variant is present in population databases (rs201250724, gnomAD 0.03%). This variant has not been reported in the literature in individuals affected with IL17RA-related conditions. ClinVar contains an entry for this variant (Variation ID: 858016). Invitae Evidence Modeling of protein sequence and biophysical properties (such as structural, functional, and spatial information, amino acid conservation, physicochemical variation, residue mobility, and thermodynamic stability) indicates that this missense variant is not expected to disrupt IL17RA protein function with a negative predictive value of 80%. In summary, the available evidence is currently insufficient to determine the role of this variant in disease. Therefore, it has been classified as a Variant of Uncertain Significance.

Ambry Genetics
Classification: Uncertain significance. Last evaluated: 2025-06-03. Review status: criteria provided, single submitter. Criteria: Ambry Variant Classification Scheme 2023. Collection method: clinical testing. Allele origin: germline.

Blueprint Genetics
Classification: Uncertain significance. Last evaluated: 2024-01-18. Review status: criteria provided, single submitter. Criteria: ACMG Guidelines, 2015. Collection method: clinical testing. Allele origin: germline.

Fulgent Genetics
Classification: Uncertain significance for Immunodeficiency 51. Last evaluated: 2021-09-13. Review status: criteria provided, single submitter. Criteria: ACMG Guidelines, 2015. Collection method: clinical testing. Allele origin: unknown.